The following is an entry in ClinVar:

ClinVar aggregate classification (germline): Conflicting classifications of pathogenicity. Review status: criteria provided, conflicting classifications (1 of 4 stars). 2 submissions from 2 submitters: Uncertain significance (1); Likely benign (1). Last evaluated 2022-11-04.

Conditions:
Inborn genetic diseases. Identifiers: MedGen C0950123, MeSH D030342.

Allele frequency attached by ClinVar (database versions not stated): gnomAD 0.00001; gnomAD exomes 0.00002; TOPMed 0.00003.
gnomAD v4.1: 14 of 1,541,242 alleles (0.00091%); highest among the groups gnomAD compares: Admixed American, 0.028%; no homozygotes.

Submissions (2):

Ambry Genetics
Classification: Likely benign for Inborn genetic diseases. Last evaluated: 2022-11-04. Review status: criteria provided, single submitter. Criteria: Ambry Variant Classification Scheme 2023. Collection method: clinical testing. Allele origin: germline.

Labcorp Genetics (formerly Invitae), Labcorp
Classification: Uncertain significance. Last evaluated: 2022-08-21. Review status: criteria provided, single submitter. Criteria: Invitae Variant Classification Sherloc (09022015). Collection method: clinical testing. Allele origin: germline.
Comment: In summary, the available evidence is currently insufficient to determine the role of this variant in disease. Therefore, it has been classified as a Variant of Uncertain Significance. Algorithms developed to predict the effect of missense changes on protein structure and function (SIFT, PolyPhen-2, Align-GVGD) all suggest that this variant is likely to be tolerated. This variant has not been reported in the literature in individuals affected with SLC39A8-related conditions. The frequency data for this variant in the population databases is considered unreliable, as metrics indicate poor data quality at this position in the gnomAD database. This sequence change replaces glycine, which is neutral and non-polar, with alanine, which is neutral and non-polar, at codon 20 of the SLC39A8 protein (p.Gly20Ala).

NM_001135146.2(SLC39A8):c.59G>C (p.Gly20Ala)

Genes: SLC39A8 (solute carrier family 39 member 8; minus strand), LOC129992876 (ATAC-STARR-seq lymphoblastoid silent region 15595; plus strand). Cytogenetic location: 4q24.
Variant type: single nucleotide variant.
Coding change: c.59G>C on transcript NM_001135146.2 (MANE Select); coding-DNA position 59, G replaced by C.
Protein change: p.Gly20Ala; replaces glycine 20 with alanine.
Molecular consequence: missense variant.
Genome position (GRCh38, 1-based): chr4:102,344,604, C>G on the plus strand (G>C on the coding strand, the complement: SLC39A8 is on the minus strand). VCF-style: chr4-102344604-C-G. GRCh37 (hg19) VCF-style: chr4-103265761-C-G.
Other names: c.59G>C, p.Gly20Ala (NM_001135147.1, NM_022154.5); short protein forms G20A.
Identifiers: ClinVar variation 2081666 (VCV002081666.3), dbSNP rs761480347, ClinGen allele CA3025744.